The following is an entry in ClinVar:

NM_004698.4(PRPF3):c.2002C>T (p.His668Tyr)

Gene: PRPF3 (pre-mRNA processing factor 3; plus strand). Cytogenetic location: 1q21.2.
Variant type: single nucleotide variant.
Coding change: c.2002C>T on transcript NM_004698.4 (MANE Select); coding-DNA position 2002, C replaced by T.
Protein change: p.His668Tyr; replaces histidine 668 with tyrosine.
Molecular consequence: missense variant. On other transcripts: non-coding transcript variant (4).
Genome position (GRCh38, 1-based): chr1:150,352,929, C>T. VCF-style: chr1-150352929-C-T. GRCh37 (hg19) VCF-style: chr1-150325405-C-T.
Other names: c.1597C>T, p.His533Tyr (NM_001350529.1); short protein forms H533Y, H668Y.
Identifiers: ClinVar variation 2986975 (VCV002986975.4), dbSNP rs782447888, ClinGen allele CA1075757.

ClinVar aggregate classification (germline): Uncertain significance. Review status: criteria provided, multiple submitters, no conflicts (2 of 4 stars). 2 submissions from 2 submitters: Uncertain significance (2). Last evaluated 2025-08-11.

Allele frequency attached by ClinVar (database versions not stated): ExAC 0.00002; TOPMed 0.00002; gnomAD 0.00003; gnomAD exomes 0.00006.
gnomAD v4.1: 89 of 1,613,950 alleles (0.0055%); highest among the groups gnomAD compares: Non-Finnish European, 0.0074%; no homozygotes.

Submissions (2):

Labcorp Genetics (formerly Invitae), Labcorp
Classification: Uncertain significance. Last evaluated: 2025-08-11. Review status: criteria provided, single submitter. Criteria: Invitae Variant Classification Sherloc (09022015). Collection method: clinical testing. Allele origin: germline.
Comment: This sequence change replaces histidine, which is basic and polar, with tyrosine, which is neutral and polar, at codon 668 of the PRPF3 protein (p.His668Tyr). This variant is present in population databases (rs782447888, gnomAD 0.002%). This variant has not been reported in the literature in individuals affected with PRPF3-related conditions. ClinVar contains an entry for this variant (Variation ID: 2986975). Invitae Evidence Modeling of protein sequence and biophysical properties (such as structural, functional, and spatial information, amino acid conservation, physicochemical variation, residue mobility, and thermodynamic stability) has been performed for this missense variant. However, the output from this modeling did not meet the statistical confidence thresholds required to predict the impact of this variant on PRPF3 protein function. In summary, the available evidence is currently insufficient to determine the role of this variant in disease. Therefore, it has been classified as a Variant of Uncertain Significance.

Blueprint Genetics
Classification: Uncertain significance. Last evaluated: 2023-05-09. Review status: criteria provided, single submitter. Criteria: ACMG Guidelines, 2015. Collection method: clinical testing. Allele origin: germline.